The following is an entry in ClinVar:

NM_004415.4(DSP):c.2630+237C>T

Gene: DSP (desmoplakin; plus strand). Cytogenetic location: 6p24.3.
Variant type: single nucleotide variant.
Coding change: c.2630+237C>T on transcript NM_004415.4 (MANE Select); 237 bases into the intron after coding-DNA position 2630, C replaced by T.
Molecular consequence: intron variant.
Genome position (GRCh38, 1-based): chr6:7,575,725, C>T. VCF-style: chr6-7575725-C-T. GRCh37 (hg19) VCF-style: chr6-7575958-C-T.
Other names: c.2630+237C>T (NM_001319034.2, NM_001008844.3).
Identifiers: ClinVar variation 679064 (VCV000679064.1), dbSNP rs75232119, ClinGen allele CA133963659.

ClinVar aggregate classification (germline): Likely benign (1 of 4 stars; one submission).

Allele frequency attached by ClinVar (database versions not stated): 1000 Genomes Project 0.01038; gnomAD 0.01157 and 0.01258; 1000 Genomes Project 30x 0.01171; TOPMed 0.01316.
gnomAD v4.1: 1,742 of 152,312 alleles (1.1%); highest among the groups gnomAD compares: African/African-American, 4%; 29 homozygotes.

Submission:

GeneDx
Classification: Likely benign. Last evaluated: 2018-06-14. Review status: criteria provided, single submitter. Criteria: GeneDx Variant Classification (06012015). Collection method: clinical testing. Allele origin: germline. Affected: yes.
Comment: This variant is considered likely benign or benign based on one or more of the following criteria: it is a conservative change, it occurs at a poorly conserved position in the protein, it is predicted to be benign by multiple in silico algorithms, and/or has population frequency not consistent with disease.